The following is an entry in ClinVar:

ClinVar aggregate classification (germline): Uncertain significance (1 of 4 stars; one submission).

Submission:

GeneDx
Classification: Uncertain significance. Last evaluated: 2024-09-05. Review status: criteria provided, single submitter. Criteria: GeneDx Variant Classification Process June 2021. Collection method: clinical testing. Allele origin: germline. Affected: yes.
Comment: Not observed at significant frequency in large population cohorts (gnomAD); In silico analysis supports a deleterious effect on splicing; In silico analysis indicates that this missense variant does not alter protein structure/function; Has not been previously published as pathogenic or benign to our knowledge

NM_000297.4(PKD2):c.842A>G (p.Lys281Arg)

Gene: PKD2 (polycystin 2, transient receptor potential cation channel; plus strand). Cytogenetic location: 4q22.1.
Variant type: single nucleotide variant.
Coding change: c.842A>G on transcript NM_000297.4 (MANE Select); coding-DNA position 842, A replaced by G.
Protein change: p.Lys281Arg; replaces lysine 281 with arginine.
Molecular consequence: missense variant. On other transcripts: non-coding transcript variant (1).
Genome position (GRCh38, 1-based): chr4:88,036,352, A>G. VCF-style: chr4-88036352-A-G. GRCh37 (hg19) VCF-style: chr4-88957504-A-G.
Other names: short protein forms K281R.
Identifiers: ClinVar variation 3767735 (VCV003767735.1).